The following is an entry in ClinVar:

ClinVar aggregate classification (germline): Likely pathogenic (1 of 4 stars; one submission).

Conditions:
Leber congenital amaurosis (LCA). Also called: Leber's amaurosis. Identifiers: Orphanet 65, MedGen C0339527, MeSH D057130, MONDO:0018998.

Submission:

Natera, Inc.
Classification: Likely pathogenic for Leber congenital amaurosis. Last evaluated: 2024-04-09. Review status: criteria provided, single submitter. Criteria: Natera Variant Classification Schema (03/2026). Collection method: clinical testing. Allele origin: germline.
Comment: The c.1534G>T variant in RPE65 is a nonsense variant predicted to introduce a stop codon at amino acid 512. This variant is expected to result in nonsense mediated decay, truncation, or a dysfunctional protein product. This variant is rare in the general population with a frequency below the threshold expected for the associated phenotype(s). Given the available evidence, this variant is classified as Likely Pathogenic.

NM_000329.3(RPE65):c.1534G>T (p.Glu512Ter)

Gene: RPE65 (retinoid isomerohydrolase RPE65; minus strand). Cytogenetic location: 1p31.3.
Variant type: single nucleotide variant.
Coding change: c.1534G>T on transcript NM_000329.3 (MANE Select); coding-DNA position 1534, G replaced by T.
Protein change: p.Glu512Ter; replaces glutamic acid 512 with a stop codon.
Molecular consequence: nonsense.
Genome position (GRCh38, 1-based): chr1:68,429,844, C>A on the plus strand (G>T on the coding strand, the complement: RPE65 is on the minus strand). VCF-style: chr1-68429844-C-A. GRCh37 (hg19) VCF-style: chr1-68895527-C-A.
Other names: c.1426G>T, p.Glu476Ter (NM_001406853.1); c.1258G>T, p.Glu420Ter (NM_001406856.1, NM_001406857.1); short protein forms E420*, E476*, E512*.
Identifiers: ClinVar variation 4818170 (VCV004818170.1).